The following is an entry in ClinVar:

ClinVar aggregate classification (germline): Uncertain significance (1 of 4 stars; one submission).

Conditions:
Dyskeratosis congenita. Identifiers: Orphanet 1775, MedGen C0265965, MONDO:0015780.

Submission:

Ambry Genetics
Classification: Uncertain significance for Dyskeratosis congenita. Last evaluated: 2022-01-30. Review status: criteria provided, single submitter. Criteria: Ambry Variant Classification Scheme 2023. Collection method: clinical testing. Allele origin: germline.
Comment: The p.S206C variant (also known as c.616A>T), located in coding exon 2 of the TERT gene, results from an A to T substitution at nucleotide position 616. The serine at codon 206 is replaced by cysteine, an amino acid with dissimilar properties. This amino acid position is conserved. In addition, this alteration is predicted to be tolerated by in silico analysis. Since supporting evidence is limited at this time, the clinical significance of this alteration remains unclear.

NM_198253.3(TERT):c.616A>T (p.Ser206Cys)

Gene: TERT (telomerase reverse transcriptase; minus strand). Cytogenetic location: 5p15.33.
Variant type: single nucleotide variant.
Coding change: c.616A>T on transcript NM_198253.3 (MANE Select); coding-DNA position 616, A replaced by T.
Protein change: p.Ser206Cys; replaces serine 206 with cysteine.
Molecular consequence: missense variant. On other transcripts: non-coding transcript variant (2).
Genome position (GRCh38, 1-based): chr5:1,294,270, T>A on the plus strand (A>T on the coding strand, the complement: TERT is on the minus strand). VCF-style: chr5-1294270-T-A. GRCh37 (hg19) VCF-style: chr5-1294385-T-A.
Other names: c.616A>T, p.Ser206Cys (NM_001193376.3, NM_003219.1); short protein forms S206C.
Identifiers: ClinVar variation 1751987 (VCV001751987.2), dbSNP rs2478423471, ClinGen allele CA359057169.